The following is an entry in ClinVar:

ClinVar aggregate classification (germline): Uncertain significance (1 of 4 stars; one submission).

Conditions:
Familial adenomatous polyposis 1 (FAP1). Also called: FAMILIAL ADENOMATOUS POLYPOSIS 1, ATTENUATED; POLYPOSIS, ADENOMATOUS INTESTINAL. Identifiers: MedGen C2713442, MONDO:0021056, OMIM 175100. Disease mechanism: loss of function.

Submission:

Labcorp Genetics (formerly Invitae), Labcorp
Classification: Uncertain significance for Familial adenomatous polyposis 1. Last evaluated: 2025-07-15. Review status: criteria provided, single submitter. Criteria: Invitae Variant Classification Sherloc (09022015). Collection method: clinical testing. Allele origin: germline.
Comment: This variant occurs in a non-coding region of the APC gene. It does not change the encoded amino acid sequence of the APC protein. Information on the frequency of this variant in the gnomAD database is not available, as this variant may be reported differently in the database. This variant has not been reported in the literature in individuals affected with APC-related conditions. Experimental studies and prediction algorithms are not available or were not evaluated, and the functional significance of this variant is currently unknown. In summary, the available evidence is currently insufficient to determine the role of this variant in disease. Therefore, it has been classified as a Variant of Uncertain Significance.

NM_001127511.3(APC):c.-109_-108delinsTG

Gene: APC (APC regulator of Wnt signaling pathway; plus strand). Cytogenetic location: 5q22.2.
Variant type: Indel.
Coding change: c.-109_-108delinsTG on transcript NM_001127511.3; 109 bases upstream of the start codon through 108 bases upstream of the start codon, CC replaced by TG.
Molecular consequence: 5 prime UTR variant. On other transcripts: non-coding transcript variant (2).
Genome position (GRCh38, 1-based): chr5:112,707,609-112,707,610, CC replaced by TG. VCF-style: chr5-112707609-CC-TG. GRCh37 (hg19) VCF-style: chr5-112043306-CC-TG.
Other names: c.-292_-291delinsTG (NM_001354895.2, NM_001407447.1, NM_001407452.1 and 3 more transcripts); c.-109_-108delinsTG (NM_001354897.2, NM_001354902.2, NM_001407446.1); c.-59_-58delinsTG (NM_001407448.1, NM_001407450.1, NM_001407457.1 and 1 more transcripts); c.-83_-82delinsTG (NM_001407453.1); c.-1327_-1326delinsTG (NM_001407470.1, NM_001407472.1).
Identifiers: ClinVar variation 1001312 (VCV001001312.5), dbSNP rs1750588164, ClinGen allele CA1573442535.